The following is an entry in ClinVar:

ClinVar aggregate classification (germline): Uncertain significance. Review status: criteria provided, multiple submitters, no conflicts (2 of 4 stars). 4 submissions from 4 submitters: Uncertain significance (4). Last evaluated 2025-08-08.

Conditions:
Inborn genetic diseases. Identifiers: MedGen C0950123, MeSH D030342.
Fanconi anemia (FA). Also called: Fanconi's anemia. Identifiers: Orphanet 84, MedGen C0015625, MeSH D005199, MONDO:0019391.
Fanconi anemia complementation group A (FANCA). Also called: Fanconi anemia, group A; FANCA-Related Fanconi Anemia. Identifiers: Orphanet 84, MedGen C3469521, MONDO:0009215, OMIM 227650.

Allele frequency attached by ClinVar (database versions not stated): gnomAD exomes below 0.00001; ExAC 0.00001; TOPMed 0.00001.
gnomAD v4.1: 8 of 1,612,722 alleles (0.0005%); highest among the groups gnomAD compares: African/African-American, 0.0013%; no homozygotes.

Submissions (4):

Quest Diagnostics Nichols Institute San Juan Capistrano
Classification: Uncertain significance. Last evaluated: 2025-08-08. Review status: criteria provided, single submitter. Criteria: Quest Diagnostics criteria. Collection method: clinical testing. Allele origin: unknown.
Comment: The FANCA c.1877C>T (p.Ser626Phe) variant has not been reported in individuals with FANCA-related conditions in the published literature. The frequency of this variant in the general population (Genome Aggregation Database) is uninformative in the assessment of its pathogenicity. Analysis of this variant using bioinformatics tools for the prediction of the effect of amino acid changes on protein structure and function yielded conflicting predictions that this variant is benign or damaging. Based on the available information, we are unable to determine the clinical significance of this variant.

Ambry Genetics
Classification: Uncertain significance for Inborn genetic diseases. Last evaluated: 2025-01-05. Review status: criteria provided, single submitter. Criteria: Ambry Variant Classification Scheme 2023. Collection method: clinical testing. Allele origin: germline.
Comment: The p.S626F variant (also known as c.1877C>T), located in coding exon 21 of the FANCA gene, results from a C to T substitution at nucleotide position 1877. The serine at codon 626 is replaced by phenylalanine, an amino acid with highly dissimilar properties. This amino acid position is conserved. In addition, this alteration is predicted to be tolerated by in silico analysis. Based on the available evidence, the clinical significance of this variant remains unclear.

Fulgent Genetics
Classification: Uncertain significance for Fanconi anemia complementation group A. Last evaluated: 2024-04-09. Review status: criteria provided, single submitter. Criteria: ACMG Guidelines, 2015. Collection method: clinical testing. Allele origin: germline.

Labcorp Genetics (formerly Invitae), Labcorp
Classification: Uncertain significance for Fanconi anemia. Last evaluated: 2021-08-28. Review status: criteria provided, single submitter. Criteria: Invitae Variant Classification Sherloc (09022015). Collection method: clinical testing. Allele origin: germline.
Comment: This sequence change replaces serine with phenylalanine at codon 626 of the FANCA protein (p.Ser626Phe). The serine residue is weakly conserved and there is a large physicochemical difference between serine and phenylalanine. This variant is present in population databases (rs769311485, ExAC 0.002%). This variant has not been reported in the literature in individuals affected with FANCA-related conditions. Algorithms developed to predict the effect of missense changes on protein structure and function are either unavailable or do not agree on the potential impact of this missense change (SIFT: "Deleterious"; PolyPhen-2: "Possibly Damaging"; Align-GVGD: "Class C0"). In summary, the available evidence is currently insufficient to determine the role of this variant in disease. Therefore, it has been classified as a Variant of Uncertain Significance.

NM_000135.4(FANCA):c.1877C>T (p.Ser626Phe)

Gene: FANCA (FA complementation group A; minus strand). Cytogenetic location: 16q24.3.
Variant type: single nucleotide variant.
Coding change: c.1877C>T on transcript NM_000135.4 (MANE Select); coding-DNA position 1877, C replaced by T.
Protein change: p.Ser626Phe; replaces serine 626 with phenylalanine.
Molecular consequence: missense variant.
Genome position (GRCh38, 1-based): chr16:89,775,765, G>A on the plus strand (C>T on the coding strand, the complement: FANCA is on the minus strand). VCF-style: chr16-89775765-G-A. GRCh37 (hg19) VCF-style: chr16-89842173-G-A.
Other names: c.1877C>T (NM_000135.2, NM_000135.3); c.1877C>T, p.Ser626Phe (NM_001286167.3); short protein forms S626F.
Identifiers: ClinVar variation 1002986 (VCV001002986.9), dbSNP rs769311485, ClinGen allele CA8251992.